The following is an entry in ClinVar:

ClinVar aggregate classification (germline): Uncertain significance (1 of 4 stars; one submission).

Conditions:
PLXNB3-related disorder. Also called: PLXNB3-related condition.

Allele frequency attached by ClinVar (database versions not stated): TOPMed below 0.00001; gnomAD 0.00001.
gnomAD v4.1: 1 of 1,210,269 alleles (0.000083%); highest among the groups gnomAD compares: African/African-American, 0.0017%; no homozygotes.

Submission:

PreventionGenetics, part of Exact Sciences
Classification: Uncertain significance for PLXNB3-related condition. Last evaluated: 2023-01-02. Review status: criteria provided, single submitter. Criteria: ACMG Guidelines, 2015. Collection method: clinical testing. Allele origin: germline.
Comment: The PLXNB3 c.5470G>A variant is predicted to result in the amino acid substitution p.Val1824Met. To our knowledge, this variant has not been reported in the literature or in a large population database, indicating this variant is rare. At this time, the clinical significance of this variant is uncertain due to the absence of conclusive functional and genetic evidence.

NM_005393.3(PLXNB3):c.5401G>A (p.Val1801Met)

Gene: PLXNB3 (plexin B3; plus strand). Cytogenetic location: Xq28.
Variant type: single nucleotide variant.
Coding change: c.5401G>A on transcript NM_005393.3 (MANE Select); coding-DNA position 5401, G replaced by A.
Protein change: p.Val1801Met; replaces valine 1801 with methionine.
Molecular consequence: missense variant.
Genome position (GRCh38, 1-based): chrX:153,778,087, G>A. VCF-style: chrX-153778087-G-A. GRCh37 (hg19) VCF-style: chrX-153043542-G-A.
Other names: c.5470G>A, p.Val1824Met (NM_001163257.2); short protein forms V1801M, V1824M.
Identifiers: ClinVar variation 2629598 (VCV002629598.1), dbSNP rs1379068546, ClinGen allele CA415145428.